The following is an entry in ClinVar:

NM_001478.5(B4GALNT1):c.28G>T (p.Ala10Ser)

Gene: B4GALNT1 (beta-1,4-N-acetyl-galactosaminyltransferase 1; minus strand). Cytogenetic location: 12q13.3.
Variant type: single nucleotide variant.
Coding change: c.28G>T on transcript NM_001478.5 (MANE Select); coding-DNA position 28, G replaced by T.
Protein change: p.Ala10Ser; replaces alanine 10 with serine.
Molecular consequence: missense variant.
Genome position (GRCh38, 1-based): chr12:57,632,105, C>A on the plus strand (G>T on the coding strand, the complement: B4GALNT1 is on the minus strand). VCF-style: chr12-57632105-C-A. GRCh37 (hg19) VCF-style: chr12-58025888-C-A.
Other names: c.28G>T, p.Ala10Ser (NM_001276468.2, NM_001276469.2, NM_001413967.1 and 11 more transcripts); c.-876G>T (NM_001413981.1, NM_001413982.1, NM_001413983.1 and 1 more transcripts); short protein forms A10S.
Identifiers: ClinVar variation 2195081 (VCV002195081.3), dbSNP rs766999302, ClinGen allele CA6655879.

ClinVar aggregate classification (germline): Uncertain significance (1 of 4 stars; one submission).

Conditions:
Spastic paraplegia. Identifiers: MedGen C0037772, HP:0001258.

Allele frequency attached by ClinVar (database versions not stated): gnomAD 0.00001.

Submission:

Labcorp Genetics (formerly Invitae), Labcorp
Classification: Uncertain significance for Spastic paraplegia. Last evaluated: 2024-10-28. Review status: criteria provided, single submitter. Criteria: Invitae Variant Classification Sherloc (09022015). Collection method: clinical testing. Allele origin: germline.
Comment: This sequence change replaces alanine, which is neutral and non-polar, with serine, which is neutral and polar, at codon 10 of the B4GALNT1 protein (p.Ala10Ser). This variant is not present in population databases (gnomAD no frequency). This variant has not been reported in the literature in individuals affected with B4GALNT1-related conditions. ClinVar contains an entry for this variant (Variation ID: 2195081). An algorithm developed to predict the effect of missense changes on protein structure and function (PolyPhen-2) suggests that this variant is likely to be tolerated. In summary, the available evidence is currently insufficient to determine the role of this variant in disease. Therefore, it has been classified as a Variant of Uncertain Significance.